The following is an entry in ClinVar:

NM_006231.4(POLE):c.5671A>G (p.Thr1891Ala)

Gene: POLE (DNA polymerase epsilon, catalytic subunit; minus strand). Cytogenetic location: 12q24.33.
Variant type: single nucleotide variant.
Coding change: c.5671A>G on transcript NM_006231.4 (MANE Select); coding-DNA position 5671, A replaced by G.
Protein change: p.Thr1891Ala; replaces threonine 1891 with alanine.
Molecular consequence: missense variant.
Genome position (GRCh38, 1-based): chr12:132,638,021, T>C on the plus strand (A>G on the coding strand, the complement: POLE is on the minus strand). VCF-style: chr12-132638021-T-C. GRCh37 (hg19) VCF-style: chr12-133214607-T-C.
Other names: short protein forms T1891A.
Identifiers: ClinVar variation 3308348 (VCV003308348.1).

ClinVar aggregate classification (germline): Uncertain significance (1 of 4 stars; one submission).

Conditions:
Hereditary cancer-predisposing syndrome. Also called: Tumor predisposition; Hereditary Cancer Syndrome; Hereditary neoplastic syndrome; Neoplastic Syndromes, Hereditary. Identifiers: Orphanet 140162, MedGen C0027672, MeSH D009386, MONDO:0015356.

Submission:

Ambry Genetics
Classification: Uncertain significance for Hereditary cancer-predisposing syndrome. Last evaluated: 2024-05-04. Review status: criteria provided, single submitter. Criteria: Ambry Variant Classification Scheme 2023. Collection method: clinical testing. Allele origin: germline.
Comment: The p.T1891A variant (also known as c.5671A>G), located in coding exon 41 of the POLE gene, results from an A to G substitution at nucleotide position 5671. The threonine at codon 1891 is replaced by alanine, an amino acid with similar properties. This amino acid position is conserved. In addition, the in silico prediction for this alteration is inconclusive. Based on the available evidence, the clinical significance of this variant remains unclear.